The following is an entry in ClinVar:

NM_001004334.4(GPR179):c.6172C>A (p.Pro2058Thr)

Gene: GPR179 (G protein-coupled receptor 179; minus strand). Cytogenetic location: 17q12.
Variant type: single nucleotide variant.
Coding change: c.6172C>A on transcript NM_001004334.4 (MANE Select); coding-DNA position 6172, C replaced by A.
Protein change: p.Pro2058Thr; replaces proline 2058 with threonine.
Molecular consequence: missense variant.
Genome position (GRCh38, 1-based): chr17:38,327,397, G>T on the plus strand (C>A on the coding strand, the complement: GPR179 is on the minus strand). VCF-style: chr17-38327397-G-T. GRCh37 (hg19) VCF-style: chr17-36483280-G-T.
Other names: c.6172C>A (NM_001004334.2); short protein forms P2058T.
Identifiers: ClinVar variation 1472816 (VCV001472816.6), dbSNP rs190587438, ClinGen allele CA290103068.

ClinVar aggregate classification (germline): Conflicting classifications of pathogenicity. Review status: criteria provided, conflicting classifications (1 of 4 stars). 3 submissions from 3 submitters: Uncertain significance (2); Likely benign (1). Last evaluated 2024-11-01.

Conditions:
Inborn genetic diseases. Identifiers: MedGen C0950123, MeSH D030342.

Allele frequency attached by ClinVar (database versions not stated): gnomAD exomes 0.00002 and 0.00007; ExAC 0.00010; ESP Exome Variant Server 0.00024; gnomAD 0.00028 and 0.00032; TOPMed 0.00032; 1000 Genomes Project 30x 0.00047; 1000 Genomes Project 0.00060.
gnomAD v4.1: 74 of 1,614,162 alleles (0.0046%); highest among the groups gnomAD compares: African/African-American, 0.089%; no homozygotes.

Submissions (3):

Blueprint Genetics
Classification: Likely benign. Last evaluated: 2024-11-01. Review status: criteria provided, single submitter. Criteria: ACMG Guidelines, 2015. Collection method: clinical testing. Allele origin: germline.

Ambry Genetics
Classification: Uncertain significance for Inborn genetic diseases. Last evaluated: 2024-06-02. Review status: criteria provided, single submitter. Criteria: Ambry Variant Classification Scheme 2023. Collection method: clinical testing. Allele origin: germline.

Labcorp Genetics (formerly Invitae), Labcorp
Classification: Uncertain significance. Last evaluated: 2023-08-10. Review status: criteria provided, single submitter. Criteria: Invitae Variant Classification Sherloc (09022015). Collection method: clinical testing. Allele origin: germline.
Comment: This variant is present in population databases (rs190587438, gnomAD 0.09%). This sequence change replaces proline, which is neutral and non-polar, with threonine, which is neutral and polar, at codon 2058 of the GPR179 protein (p.Pro2058Thr). In summary, the available evidence is currently insufficient to determine the role of this variant in disease. Therefore, it has been classified as a Variant of Uncertain Significance. Algorithms developed to predict the effect of missense changes on protein structure and function output the following: SIFT: "Not Available"; PolyPhen-2: "Benign"; Align-GVGD: "Not Available". The threonine amino acid residue is found in multiple mammalian species, which suggests that this missense change does not adversely affect protein function. ClinVar contains an entry for this variant (Variation ID: 1472816). This variant has not been reported in the literature in individuals affected with GPR179-related conditions.